The following is an entry in ClinVar:

NM_022124.6(CDH23):c.6641T>C (p.Ile2214Thr)

Gene: CDH23 (cadherin related 23; plus strand). Cytogenetic location: 10q22.1.
Variant type: single nucleotide variant.
Coding change: c.6641T>C on transcript NM_022124.6 (MANE Select); coding-DNA position 6641, T replaced by C.
Protein change: p.Ile2214Thr; replaces isoleucine 2214 with threonine.
Molecular consequence: missense variant.
Genome position (GRCh38, 1-based): chr10:71,793,569, T>C. VCF-style: chr10-71793569-T-C. GRCh37 (hg19) VCF-style: chr10-73553326-T-C.
Other names: short protein forms I2214T.
Identifiers: ClinVar variation 2906742 (VCV002906742.3), dbSNP rs2494385656, ClinGen allele CA377155485.

ClinVar aggregate classification (germline): Uncertain significance (1 of 4 stars; one submission).

Submission:

Labcorp Genetics (formerly Invitae), Labcorp
Classification: Uncertain significance. Last evaluated: 2024-10-30. Review status: criteria provided, single submitter. Criteria: Invitae Variant Classification Sherloc (09022015). Collection method: clinical testing. Allele origin: germline.
Comment: This sequence change replaces isoleucine, which is neutral and non-polar, with threonine, which is neutral and polar, at codon 2214 of the CDH23 protein (p.Ile2214Thr). This variant is not present in population databases (gnomAD no frequency). This variant has not been reported in the literature in individuals affected with CDH23-related conditions. ClinVar contains an entry for this variant (Variation ID: 2906742). Invitae Evidence Modeling of protein sequence and biophysical properties (such as structural, functional, and spatial information, amino acid conservation, physicochemical variation, residue mobility, and thermodynamic stability) has been performed for this missense variant. However, the output from this modeling did not meet the statistical confidence thresholds required to predict the impact of this variant on CDH23 protein function. In summary, the available evidence is currently insufficient to determine the role of this variant in disease. Therefore, it has been classified as a Variant of Uncertain Significance.